The following is an entry in ClinVar:

NM_002768.5(CHMP1A):c.7+17G>A

Gene: CHMP1A (charged multivesicular body protein 1A; minus strand). Cytogenetic location: 16q24.3.
Variant type: single nucleotide variant.
Coding change: c.7+17G>A on transcript NM_002768.5 (MANE Select); 17 bases into the intron after coding-DNA position 7, G replaced by A.
Molecular consequence: intron variant.
Genome position (GRCh38, 1-based): chr16:89,657,565, C>T on the plus strand (G>A on the coding strand, the complement: CHMP1A is on the minus strand). VCF-style: chr16-89657565-C-T. GRCh37 (hg19) VCF-style: chr16-89723973-C-T.
Other names: c.7+17G>A (NM_001083314.4).
Identifiers: ClinVar variation 513378 (VCV000513378.1), dbSNP rs1293814920, ClinGen allele CA624256126.

ClinVar aggregate classification (germline): Likely benign (1 of 4 stars; one submission).

Allele frequency attached by ClinVar (database versions not stated): gnomAD exomes below 0.00001; gnomAD 0.00001; TOPMed 0.00001.

Submission:

GeneDx
Classification: Likely benign. Last evaluated: 2017-11-14. Review status: criteria provided, single submitter. Criteria: GeneDx Variant Classification (06012015). Collection method: clinical testing. Allele origin: germline. Affected: yes.
Comment: This variant is considered likely benign or benign based on one or more of the following criteria: it is a conservative change, it occurs at a poorly conserved position in the protein, it is predicted to be benign by multiple in silico algorithms, and/or has population frequency not consistent with disease.